The following is an entry in ClinVar:

ClinVar aggregate classification (germline): Uncertain significance (1 of 4 stars; one submission).

Conditions:
Aicardi-Goutieres syndrome 7 (AGS7). Identifiers: Orphanet 51, MedGen C3888244, MONDO:0014367, OMIM 615846.
Singleton-Merten syndrome 1 (SGMRT1). Also called: Widened medullary cavities of bone, aortic calcification, abnormal dentition, and muscular weakness; Syndrome of widened medullary cavities of the metacarpals and phalanges, aortic calcification and abnormal dentition. Identifiers: Orphanet 85191, MedGen C4225427, MONDO:0024535, OMIM 182250.

gnomAD v4.1: 1 of 1,605,132 alleles (0.000062%); highest among the groups gnomAD compares: East Asian, 0.0022%; no homozygotes.

Submission:

Labcorp Genetics (formerly Invitae), Labcorp
Classification: Uncertain significance for Aicardi-Goutieres syndrome 7; Singleton-Merten syndrome 1. Last evaluated: 2023-07-14. Review status: criteria provided, single submitter. Criteria: Invitae Variant Classification Sherloc (09022015). Collection method: clinical testing. Allele origin: germline.
Comment: This sequence change replaces glutamic acid, which is acidic and polar, with lysine, which is basic and polar, at codon 632 of the IFIH1 protein (p.Glu632Lys). This variant is not present in population databases (gnomAD no frequency). This variant has not been reported in the literature in individuals affected with IFIH1-related conditions. Advanced modeling of protein sequence and biophysical properties (such as structural, functional, and spatial information, amino acid conservation, physicochemical variation, residue mobility, and thermodynamic stability) has been performed at Invitae for this missense variant, however the output from this modeling did not meet the statistical confidence thresholds required to predict the impact of this variant on IFIH1 protein function. In summary, the available evidence is currently insufficient to determine the role of this variant in disease. Therefore, it has been classified as a Variant of Uncertain Significance.

NM_022168.4(IFIH1):c.1894G>A (p.Glu632Lys)

Gene: IFIH1 (interferon induced with helicase C domain 1; minus strand). Cytogenetic location: 2q24.2.
Variant type: single nucleotide variant.
Coding change: c.1894G>A on transcript NM_022168.4 (MANE Select); coding-DNA position 1894, G replaced by A.
Protein change: p.Glu632Lys; replaces glutamic acid 632 with lysine.
Molecular consequence: missense variant.
Genome position (GRCh38, 1-based): chr2:162,277,565, C>T on the plus strand (G>A on the coding strand, the complement: IFIH1 is on the minus strand). VCF-style: chr2-162277565-C-T. GRCh37 (hg19) VCF-style: chr2-163134075-C-T.
Other names: short protein forms E632K.
Identifiers: ClinVar variation 2954111 (VCV002954111.3), dbSNP rs2468959381, ClinGen allele CA348999274.
Genomic context (GRCh38, chr2:162,277,565, plus strand): 5'-CATCATCACCACCCTCATCACTATCATCTTCTATGACTGCAAACTTCTTATCTTTCTCTT[C>T]ATTATAGAAAGTTTCAAGATGAGTATACGCATCTATCATTCGAATTGTGTCATTAATTTG-3'
Protein context (NP_071451.2, residues 622-642): AYTHLETFYN[Glu632Lys]EKDKKFAVIE